The following is an entry in ClinVar:

NM_020937.4(FANCM):c.473T>C (p.Met158Thr)

Gene: FANCM (FA complementation group M; plus strand). Cytogenetic location: 14q21.2.
Variant type: single nucleotide variant.
Coding change: c.473T>C on transcript NM_020937.4 (MANE Select); coding-DNA position 473, T replaced by C.
Protein change: p.Met158Thr; replaces methionine 158 with threonine.
Molecular consequence: missense variant.
Genome position (GRCh38, 1-based): chr14:45,136,504, T>C. VCF-style: chr14-45136504-T-C. GRCh37 (hg19) VCF-style: chr14-45605707-T-C.
Other names: c.473T>C, p.Met158Thr (NM_001308133.2, NM_001308134.2); short protein forms M158T.
Identifiers: ClinVar variation 4254556 (VCV004254556.1).

ClinVar aggregate classification (germline): Uncertain significance (1 of 4 stars; one submission).

Conditions:
Inborn genetic diseases. Identifiers: MedGen C0950123, MeSH D030342.

Submission:

Ambry Genetics
Classification: Uncertain significance for Inborn genetic diseases. Last evaluated: 2025-06-29. Review status: criteria provided, single submitter. Criteria: Ambry Variant Classification Scheme 2023. Collection method: clinical testing. Allele origin: germline.
Comment: The p.M158T variant (also known as c.473T>C), located in coding exon 1 of the FANCM gene, results from a T to C substitution at nucleotide position 473. The methionine at codon 158 is replaced by threonine, an amino acid with similar properties. This amino acid position is conserved. In addition, the in silico prediction for this alteration is inconclusive. Based on the available evidence, the clinical significance of this variant remains unclear.